The following is an entry in ClinVar:

NM_014055.4(IFT81):c.1163G>A (p.Gly388Asp)

Gene: IFT81 (intraflagellar transport 81; plus strand). Cytogenetic location: 12q24.11.
Variant type: single nucleotide variant.
Coding change: c.1163G>A on transcript NM_014055.4 (MANE Select); coding-DNA position 1163, G replaced by A.
Protein change: p.Gly388Asp; replaces glycine 388 with aspartic acid.
Molecular consequence: missense variant. On other transcripts: non-coding transcript variant (4).
Genome position (GRCh38, 1-based): chr12:110,163,040, G>A. VCF-style: chr12-110163040-G-A. GRCh37 (hg19) VCF-style: chr12-110600845-G-A.
Other names: c.1163G>A, p.Gly388Asp (NM_001143779.2, NM_001347946.2, NM_031473.4); c.233G>A, p.Gly78Asp (NM_001347947.2, NM_001347948.2); short protein forms G78D, G388D.
Identifiers: ClinVar variation 1970459 (VCV001970459.5), dbSNP rs768454129, ClinGen allele CA6783279.

ClinVar aggregate classification (germline): Uncertain significance (1 of 4 stars; one submission).

Allele frequency attached by ClinVar (database versions not stated): gnomAD exomes below 0.00001; ExAC 0.00001.
gnomAD v4.1: 1 of 1,613,942 alleles (0.000062%); highest among the groups gnomAD compares: South Asian, 0.0011%; no homozygotes.

Submission:

Labcorp Genetics (formerly Invitae), Labcorp
Classification: Uncertain significance. Last evaluated: 2022-10-28. Review status: criteria provided, single submitter. Criteria: Invitae Variant Classification Sherloc (09022015). Collection method: clinical testing. Allele origin: germline.
Comment: This sequence change replaces glycine, which is neutral and non-polar, with aspartic acid, which is acidic and polar, at codon 388 of the IFT81 protein (p.Gly388Asp). This variant is present in population databases (rs768454129, gnomAD 0.003%). This variant has not been reported in the literature in individuals affected with IFT81-related conditions. Advanced modeling of protein sequence and biophysical properties (such as structural, functional, and spatial information, amino acid conservation, physicochemical variation, residue mobility, and thermodynamic stability) performed at Invitae indicates that this missense variant is not expected to disrupt IFT81 protein function. In summary, the available evidence is currently insufficient to determine the role of this variant in disease. Therefore, it has been classified as a Variant of Uncertain Significance.